The following is an entry in ClinVar:

ClinVar aggregate classification (germline): Conflicting classifications of pathogenicity. Review status: criteria provided, conflicting classifications (1 of 4 stars). 2 submissions from 2 submitters: Uncertain significance (1); Likely benign (1). Last evaluated 2026-01-08.

Conditions:
Hereditary cancer-predisposing syndrome. Also called: Neoplastic Syndromes, Hereditary; Tumor predisposition; Hereditary Cancer Syndrome; Hereditary neoplastic syndrome. Identifiers: Orphanet 140162, MedGen C0027672, MeSH D009386, MONDO:0015356.
EGFR-related lung cancer (EGFR). Identifiers: MedGen CN130014.

gnomAD v4.1: 2 of 1,613,990 alleles (0.00012%); highest among the groups gnomAD compares: Non-Finnish European, 0.00017%; no homozygotes.

Submissions (2):

Ambry Genetics
Classification: Likely benign for Hereditary cancer-predisposing syndrome. Last evaluated: 2026-01-08. Review status: criteria provided, single submitter. Criteria: Ambry Variant Classification Scheme 2023. Collection method: clinical testing. Allele origin: germline.

Labcorp Genetics (formerly Invitae), Labcorp
Classification: Uncertain significance for EGFR-related lung cancer. Last evaluated: 2025-09-03. Review status: criteria provided, single submitter. Criteria: Invitae Variant Classification Sherloc (09022015). Collection method: clinical testing. Allele origin: germline.
Comment: This sequence change replaces glycine, which is neutral and non-polar, with arginine, which is basic and polar, at codon 614 of the EGFR protein (p.Gly614Arg). This variant is present in population databases (no rsID available, gnomAD 0.0009%). This variant has not been reported in the literature in individuals affected with EGFR-related conditions. ClinVar contains an entry for this variant (Variation ID: 1420466). Invitae Evidence Modeling of protein sequence and biophysical properties (such as structural, functional, and spatial information, amino acid conservation, physicochemical variation, residue mobility, and thermodynamic stability) indicates that this missense variant is not expected to disrupt EGFR protein function with a negative predictive value of 80%. In summary, the available evidence is currently insufficient to determine the role of this variant in disease. Therefore, it has been classified as a Variant of Uncertain Significance.

NM_005228.5(EGFR):c.1840G>C (p.Gly614Arg)

Gene: EGFR (epidermal growth factor receptor; plus strand). Cytogenetic location: 7p11.2.
Variant type: single nucleotide variant.
Coding change: c.1840G>C on transcript NM_005228.5 (MANE Select); coding-DNA position 1840, G replaced by C.
Protein change: p.Gly614Arg; replaces glycine 614 with arginine.
Molecular consequence: missense variant.
Genome position (GRCh38, 1-based): chr7:55,165,397, G>C. VCF-style: chr7-55165397-G-C. GRCh37 (hg19) VCF-style: chr7-55233090-G-C.
Other names: c.1705G>C, p.Gly569Arg (NM_001346897.2, NM_001346899.2); c.1840G>C, p.Gly614Arg (NM_001346898.2, NM_201282.2, NM_201284.2); c.1681G>C, p.Gly561Arg (NM_001346900.2); c.1039G>C, p.Gly347Arg (NM_001346941.2); c.1840G>C (NM_005228.3); short protein forms G569R, G347R, G561R, G614R.
Identifiers: ClinVar variation 1420466 (VCV001420466.9), dbSNP rs779076899, ClinGen allele CA158925128.
Genomic context (GRCh38, chr7:55,165,397, plus strand): 5'-ACCTGCCCGGCAGGAGTCATGGGAGAAAACAACACCCTGGTCTGGAAGTACGCAGACGCC[G>C]GCCATGTGTGCCACCTGTGCCATCCAAACTGCACCTACGGGTGAGTGGAAAGTGAAGGAG-3'
Protein context (NP_005219.2, residues 604-624): NTLVWKYADA[Gly614Arg]HVCHLCHPNC